The following is an entry in ClinVar:

ClinVar aggregate classification (germline): Uncertain significance (1 of 4 stars; one submission).

Conditions:
RFT1-congenital disorder of glycosylation (CDG1N). Also called: Congenital disorder of glycosylation type In; RFT1-CDG; CDG In. Identifiers: Orphanet 244310, MedGen C2677590, MONDO:0012783, OMIM 612015.

Submission:

Labcorp Genetics (formerly Invitae), Labcorp
Classification: Uncertain significance for RFT1-congenital disorder of glycosylation. Last evaluated: 2023-11-27. Review status: criteria provided, single submitter. Criteria: Invitae Variant Classification Sherloc (09022015). Collection method: clinical testing. Allele origin: germline.
Comment: This sequence change creates a premature translational stop signal (p.Ile221Lysfs*15) in the RFT1 gene. It is expected to result in an absent or disrupted protein product. However, the current clinical and genetic evidence is not sufficient to establish whether loss-of-function variants in RFT1 cause disease. This variant is not present in population databases (gnomAD no frequency). This variant has not been reported in the literature in individuals affected with RFT1-related conditions. ClinVar contains an entry for this variant (Variation ID: 1350617). In summary, the available evidence is currently insufficient to determine the role of this variant in disease. Therefore, it has been classified as a Variant of Uncertain Significance.

NM_052859.4(RFT1):c.662del (p.Ile221fs)

Gene: RFT1 (RFT1 glycolipid translocator homolog; minus strand). Cytogenetic location: 3p21.1.
Variant type: Deletion.
Coding change: c.662del on transcript NM_052859.4 (MANE Select); coding-DNA position 662, one base deleted (T; older notation c.662delT).
Protein change: p.Ile221fs; shifts the reading frame from isoleucine 221.
Molecular consequence: frameshift variant.
Genome position (GRCh38, 1-based): chr3:53,119,918, A deleted on the plus strand (T on the coding strand, the reverse complement: RFT1 is on the minus strand). VCF-style (leftmost placement, unchanged base first): chr3-53119917-TA-T. GRCh37 (hg19) VCF-style: chr3-53153933-TA-T.
Other names: short protein forms I221fs.
Identifiers: ClinVar variation 1350617 (VCV001350617.6), dbSNP rs2107157163, ClinGen allele CA2573137240.